The following is an entry in ClinVar:

NM_001037.5(SCN1B):c.465A>G (p.Ala155=)

Gene: SCN1B (sodium voltage-gated channel beta subunit 1; plus strand). Cytogenetic location: 19q13.11.
Variant type: single nucleotide variant.
Coding change: c.465A>G on transcript NM_001037.5 (MANE Select); coding-DNA position 465, A replaced by G.
Protein change: p.Ala155=; no amino-acid change (alanine 155 retained).
Molecular consequence: synonymous variant.
Genome position (GRCh38, 1-based): chr19:35,039,133, A>G. VCF-style: chr19-35039133-A-G. GRCh37 (hg19) VCF-style: chr19-35530037-A-G.
Other names: c.366A>G, p.Ala122= (NM_001321605.2).
Identifiers: ClinVar variation 681080 (VCV000681080.1), dbSNP rs1196314335, ClinGen allele CA632754810.

ClinVar aggregate classification (germline): Likely benign (1 of 4 stars; one submission).

Allele frequency attached by ClinVar (database versions not stated): gnomAD exomes below 0.00001.

Submission:

GeneDx
Classification: Likely benign. Last evaluated: 2018-03-23. Review status: criteria provided, single submitter. Criteria: GeneDx Variant Classification (06012015). Collection method: clinical testing. Allele origin: germline. Affected: yes.
Comment: This variant is considered likely benign or benign based on one or more of the following criteria: it is a conservative change, it occurs at a poorly conserved position in the protein, it is predicted to be benign by multiple in silico algorithms, and/or has population frequency not consistent with disease.